The following is an entry in ClinVar:

NM_001040108.2(MLH3):c.4109A>G (p.Asp1370Gly)

Gene: MLH3 (mutL homolog 3; minus strand). Cytogenetic location: 14q24.3.
Variant type: single nucleotide variant.
Coding change: c.4109A>G on transcript NM_001040108.2 (MANE Select); coding-DNA position 4109, A replaced by G.
Protein change: p.Asp1370Gly; replaces aspartic acid 1370 with glycine.
Molecular consequence: missense variant.
Genome position (GRCh38, 1-based): chr14:75,018,962, T>C on the plus strand (A>G on the coding strand, the complement: MLH3 is on the minus strand). VCF-style: chr14-75018962-T-C. GRCh37 (hg19) VCF-style: chr14-75485665-T-C.
Other names: c.4037A>G, p.Asp1346Gly (NM_014381.3); short protein forms D1370G, D1346G.
Identifiers: ClinVar variation 1737897 (VCV001737897.2), dbSNP rs2503045634, ClinGen allele CA390420165.

ClinVar aggregate classification (germline): Uncertain significance (1 of 4 stars; one submission).

Submission:

Ambry Genetics
Classification: Uncertain significance. Last evaluated: 2022-10-08. Review status: criteria provided, single submitter. Criteria: Ambry Variant Classification Scheme 2023. Collection method: clinical testing. Allele origin: germline.
Comment: The p.D1370G variant (also known as c.4109A>G), located in coding exon 11 of the MLH3 gene, results from an A to G substitution at nucleotide position 4109. The aspartic acid at codon 1370 is replaced by glycine, an amino acid with similar properties. This amino acid position is conserved. In addition, this alteration is predicted to be deleterious by in silico analysis. Since supporting evidence is limited at this time, the clinical significance of this alteration remains unclear.